The following is an entry in ClinVar:

NM_032444.4(SLX4):c.5333T>G (p.Leu1778Arg)

Gene: SLX4 (SLX4 structure-specific endonuclease subunit; minus strand). Cytogenetic location: 16p13.3.
Variant type: single nucleotide variant.
Coding change: c.5333T>G on transcript NM_032444.4 (MANE Select); coding-DNA position 5333, T replaced by G.
Protein change: p.Leu1778Arg; replaces leucine 1778 with arginine.
Molecular consequence: missense variant.
Genome position (GRCh38, 1-based): chr16:3,582,514, A>C on the plus strand (T>G on the coding strand, the complement: SLX4 is on the minus strand). VCF-style: chr16-3582514-A-C. GRCh37 (hg19) VCF-style: chr16-3632515-A-C.
Other names: short protein forms L1778R.
Identifiers: ClinVar variation 2962105 (VCV002962105.4), dbSNP rs2151115665, ClinGen allele CA394513712.
Genomic context (GRCh38, chr16:3,582,514, plus strand): 5'-AACAGCCTGCGCGAGGACACACGGAGGCCGTTCTGCCTCAGCTCTGCCTGCAGCTCCCGC[A>C]GCTCAAAGGGCTGGTACAGCAGCACCTTCTGGTACAGGGCCGGCTTGGAGCGGATGTAGC-3'
Protein context (NP_115820.2, residues 1768-1788): QKVLLYQPFE[Leu1778Arg]RELQAELRQN

ClinVar aggregate classification (germline): Uncertain significance. Review status: criteria provided, multiple submitters, no conflicts (2 of 4 stars). 2 submissions from 2 submitters: Uncertain significance (2). Last evaluated 2024-05-08.

Conditions:
Fanconi anemia (FA). Also called: Fanconi's anemia. Identifiers: Orphanet 84, MedGen C0015625, MeSH D005199, MONDO:0019391.
Fanconi anemia complementation group P. Also called: SLX4-Related Fanconi Anemia. Identifiers: Orphanet 84, MedGen C3469542, MONDO:0013499, OMIM 613951.

Submissions (2):

Fulgent Genetics
Classification: Uncertain significance for Fanconi anemia complementation group P. Last evaluated: 2024-05-08. Review status: criteria provided, single submitter. Criteria: ACMG Guidelines, 2015. Collection method: clinical testing. Allele origin: germline.

Labcorp Genetics (formerly Invitae), Labcorp
Classification: Uncertain significance for Fanconi anemia. Last evaluated: 2024-01-06. Review status: criteria provided, single submitter. Criteria: Invitae Variant Classification Sherloc (09022015). Collection method: clinical testing. Allele origin: germline.
Comment: This sequence change replaces leucine, which is neutral and non-polar, with arginine, which is basic and polar, at codon 1778 of the SLX4 protein (p.Leu1778Arg). This variant is not present in population databases (gnomAD no frequency). This variant has not been reported in the literature in individuals affected with SLX4-related conditions. An algorithm developed to predict the effect of missense changes on protein structure and function (PolyPhen-2) suggests that this variant is likely to be disruptive. In summary, the available evidence is currently insufficient to determine the role of this variant in disease. Therefore, it has been classified as a Variant of Uncertain Significance.